The following is an entry in ClinVar:

ClinVar aggregate classification (germline): Conflicting classifications of pathogenicity. Review status: criteria provided, conflicting classifications (1 of 4 stars). 4 submissions from 4 submitters: Uncertain significance (1); Benign (1); Likely benign (2). Last evaluated 2025-08-17.

Conditions:
Cardiovascular phenotype. Identifiers: MedGen CN230736.
Dilated cardiomyopathy 1DD (CMD1DD). Identifiers: Orphanet 154, MedGen C2750995, MONDO:0013168, OMIM 613172.

Allele frequency attached by ClinVar (database versions not stated): gnomAD 0.00005 and 0.00001; gnomAD exomes 0.00014 and 0.00028; 1000 Genomes Project 0.00020; ESP Exome Variant Server 0.00022; 1000 Genomes Project 30x 0.00047; ExAC 0.00086; TOPMed 0.00003.

Submissions (4):

Labcorp Genetics (formerly Invitae), Labcorp
Classification: Likely benign for Dilated cardiomyopathy 1DD. Last evaluated: 2025-08-17. Review status: criteria provided, single submitter. Criteria: Invitae Variant Classification Sherloc (09022015). Collection method: clinical testing. Allele origin: germline.

Blueprint Genetics
Classification: Likely benign. Last evaluated: 2024-11-18. Review status: criteria provided, single submitter. Criteria: ACMG Guidelines, 2015. Collection method: clinical testing. Allele origin: germline.

Ambry Genetics
Classification: Benign for Cardiovascular phenotype. Last evaluated: 2023-06-29. Review status: criteria provided, single submitter. Criteria: Ambry Variant Classification Scheme 2023. Collection method: clinical testing. Allele origin: germline.

GeneDx
Classification: Uncertain significance. Last evaluated: 2023-05-21. Review status: criteria provided, single submitter. Criteria: GeneDx Variant Classification Process June 2021. Collection method: clinical testing. Allele origin: germline. Affected: yes.
Comment: Has not been previously published as pathogenic or benign to our knowledge; In silico analysis supports that this missense variant has a deleterious effect on protein structure/function; This variant is associated with the following publications: (PMID: 29420653)

NM_001134363.3(RBM20):c.2089G>A (p.Gly697Arg)

Gene: RBM20 (RNA binding motif protein 20; plus strand). Cytogenetic location: 10q25.2.
Variant type: single nucleotide variant.
Coding change: c.2089G>A on transcript NM_001134363.3 (MANE Select); coding-DNA position 2089, G replaced by A.
Protein change: p.Gly697Arg; replaces glycine 697 with arginine.
Molecular consequence: missense variant.
Genome position (GRCh38, 1-based): chr10:110,812,486, G>A. VCF-style: chr10-110812486-G-A. GRCh37 (hg19) VCF-style: chr10-112572244-G-A.
Other names: c.2089G>A (LRG_382t1); short protein forms G697R.
Identifiers: ClinVar variation 180479 (VCV000180479.15), dbSNP rs376463335, ClinGen allele CA346597.